The following is an entry in ClinVar:

ClinVar aggregate classification (germline): Uncertain significance (1 of 4 stars; one submission).

Conditions:
Hereditary nonpolyposis colorectal neoplasms. Identifiers: MedGen C0009405, MeSH D003123.

Submission:

Labcorp Genetics (formerly Invitae), Labcorp
Classification: Uncertain significance for Hereditary nonpolyposis colorectal neoplasms. Last evaluated: 2019-12-08. Review status: criteria provided, single submitter. Criteria: Invitae Variant Classification Sherloc (09022015). Collection method: clinical testing. Allele origin: germline.
Comment: In summary, the available evidence is currently insufficient to determine the role of this variant in disease. Therefore, it has been classified as a Variant of Uncertain Significance. Algorithms developed to predict the effect of missense changes on protein structure and function are either unavailable or do not agree on the potential impact of this missense change (SIFT: "Tolerated"; PolyPhen-2: "Probably Damaging"; Align-GVGD: "Class C0"). This variant has not been reported in the literature in individuals with MSH6-related conditions. This variant is not present in population databases (ExAC no frequency). This sequence change replaces lysine with asparagine at codon 632 of the MSH6 protein (p.Lys632Asn). The lysine residue is highly conserved and there is a moderate physicochemical difference between lysine and asparagine.

NM_000179.3(MSH6):c.1896A>C (p.Lys632Asn)

Gene: MSH6 (mutS homolog 6; plus strand). Cytogenetic location: 2p16.3.
Variant type: single nucleotide variant.
Coding change: c.1896A>C on transcript NM_000179.3 (MANE Select); coding-DNA position 1896, A replaced by C.
Protein change: p.Lys632Asn; replaces lysine 632 with asparagine.
Molecular consequence: missense variant.
Genome position (GRCh38, 1-based): chr2:47,799,879, A>C. VCF-style: chr2-47799879-A-C. GRCh37 (hg19) VCF-style: chr2-48027018-A-C.
Other names: c.1506A>C, p.Lys502Asn (NM_001281492.2); c.990A>C, p.Lys330Asn (NM_001281493.2, NM_001281494.2); short protein forms K632N, K330N, K502N.
Identifiers: ClinVar variation 848035 (VCV000848035.10), dbSNP rs1669389662, ClinGen allele CA346750069.